The following is an entry in ClinVar:

NM_025179.4(PLXNA2):c.70G>A (p.Val24Ile)

Gene: PLXNA2 (plexin A2; minus strand). Cytogenetic location: 1q32.2.
Variant type: single nucleotide variant.
Coding change: c.70G>A on transcript NM_025179.4 (MANE Select); coding-DNA position 70, G replaced by A.
Protein change: p.Val24Ile; replaces valine 24 with isoleucine.
Molecular consequence: missense variant.
Genome position (GRCh38, 1-based): chr1:208,217,853, C>T on the plus strand (G>A on the coding strand, the complement: PLXNA2 is on the minus strand). VCF-style: chr1-208217853-C-T. GRCh37 (hg19) VCF-style: chr1-208391198-C-T.
Other names: short protein forms V24I.
Identifiers: ClinVar variation 4999104 (VCV004999104.1).

ClinVar aggregate classification (germline): Uncertain significance (1 of 4 stars; one submission).

Conditions:
PLXNA2-related disorder. Also called: PLXNA2-related condition.

Submission:

PreventionGenetics, part of Exact Sciences
Classification: Uncertain significance for PLXNA2-related condition. Last evaluated: 2025-03-12. Review status: criteria provided, single submitter. Criteria: ACMG Guidelines, 2015. Collection method: clinical testing. Allele origin: germline.
Comment: The PLXNA2 c.70G>A variant is predicted to result in the amino acid substitution p.Val24Ile. To our knowledge, this variant has not been reported in the literature or in a large population database (gnomAD), indicating this variant is rare. At this time, the clinical significance of this variant is uncertain due to the absence of conclusive functional and genetic evidence.